The following is an entry in ClinVar:

ClinVar aggregate classification (germline): Likely benign (1 of 4 stars; one submission).

Allele frequency attached by ClinVar (database versions not stated): TOPMed below 0.00001; gnomAD 0.00001; gnomAD exomes 0.00001; ExAC 0.00002.
gnomAD v4.1: 10 of 1,613,238 alleles (0.00062%); highest among the groups gnomAD compares: South Asian, 0.0033%; no homozygotes.

Submission:

CeGaT Center for Human Genetics Tuebingen
Classification: Likely benign. Last evaluated: 2024-06-01. Review status: criteria provided, single submitter. Criteria: CeGaT Center For Human Genetics Tuebingen Variant Classification Criteria Version 2. Collection method: clinical testing. Allele origin: germline. Affected: yes. Observed: 2 variant alleles.
Comment: CAMTA1: BP4, BP7

NM_015215.4(CAMTA1):c.2334C>T (p.Asn778=)

Gene: CAMTA1 (calmodulin binding transcription activator 1; plus strand). Cytogenetic location: 1p36.23.
Variant type: single nucleotide variant.
Coding change: c.2334C>T on transcript NM_015215.4 (MANE Select); coding-DNA position 2334, C replaced by T.
Protein change: p.Asn778=; no amino-acid change (asparagine 778 retained).
Molecular consequence: synonymous variant.
Genome position (GRCh38, 1-based): chr1:7,664,881, C>T. VCF-style: chr1-7664881-C-T. GRCh37 (hg19) VCF-style: chr1-7724941-C-T.
Other names: c.2244C>T, p.Asn748= (NM_001349608.2, NM_001349612.2); c.2334C>T, p.Asn778= (NM_001349609.2, NM_001349610.2, NM_001410737.1); c.2262C>T, p.Asn754= (NM_001410738.1).
Identifiers: ClinVar variation 3250588 (VCV003250588.18), dbSNP rs745494454.